The following is an entry in ClinVar:

NM_001134673.4(NFIA):c.523C>T (p.Leu175Phe)

Gene: NFIA (nuclear factor I A; plus strand). Cytogenetic location: 1p31.3.
Variant type: single nucleotide variant.
Coding change: c.523C>T on transcript NM_001134673.4 (MANE Select); coding-DNA position 523, C replaced by T.
Protein change: p.Leu175Phe; replaces leucine 175 with phenylalanine.
Molecular consequence: missense variant.
Genome position (GRCh38, 1-based): chr1:61,088,644, C>T. VCF-style: chr1-61088644-C-T. GRCh37 (hg19) VCF-style: chr1-61554316-C-T.
Other names: c.658C>T (NM_001145512.1); c.499C>T, p.Leu167Phe (NM_001145511.2); c.658C>T, p.Leu220Phe (NM_001145512.2); c.523C>T, p.Leu175Phe (NM_005595.5); short protein forms L220F, L167F, L175F.
Identifiers: ClinVar variation 2052393 (VCV002052393.11), dbSNP rs374849949, ClinGen allele CA880947.

ClinVar aggregate classification (germline): Conflicting classifications of pathogenicity. Review status: criteria provided, conflicting classifications (1 of 4 stars). 3 submissions from 3 submitters: Uncertain significance (1); Likely benign (2). Last evaluated 2025-11-01.

Conditions:
Inborn genetic diseases. Identifiers: MedGen C0950123, MeSH D030342.

Allele frequency attached by ClinVar (database versions not stated): ExAC 0.00007; ESP Exome Variant Server 0.00008; gnomAD 0.00009; TOPMed 0.00009; gnomAD exomes 0.00013.
gnomAD v4.1: 206 of 1,613,716 alleles (0.013%); highest among the groups gnomAD compares: Non-Finnish European, 0.017%; no homozygotes.

Submissions (3):

CeGaT Center for Human Genetics Tuebingen
Classification: Likely benign. Last evaluated: 2025-11-01. Review status: criteria provided, single submitter. Criteria: CeGaT Center For Human Genetics Tuebingen Variant Classification Criteria Version 2. Collection method: clinical testing. Allele origin: germline. Affected: yes. Observed: 1 variant allele.
Comment: NFIA: BS2

Labcorp Genetics (formerly Invitae), Labcorp
Classification: Uncertain significance. Last evaluated: 2025-05-02. Review status: criteria provided, single submitter. Criteria: Invitae Variant Classification Sherloc (09022015). Collection method: clinical testing. Allele origin: germline.
Comment: This sequence change replaces leucine, which is neutral and non-polar, with phenylalanine, which is neutral and non-polar, at codon 175 of the NFIA protein (p.Leu175Phe). This variant is present in population databases (rs374849949, gnomAD 0.01%). This variant has not been reported in the literature in individuals affected with NFIA-related conditions. ClinVar contains an entry for this variant (Variation ID: 2052393). An algorithm developed to predict the effect of missense changes on protein structure and function (PolyPhen-2) suggests that this variant is likely to be disruptive. In summary, the available evidence is currently insufficient to determine the role of this variant in disease. Therefore, it has been classified as a Variant of Uncertain Significance.

Ambry Genetics
Classification: Likely benign for Inborn genetic diseases. Last evaluated: 2024-03-25. Review status: criteria provided, single submitter. Criteria: Ambry Variant Classification Scheme 2023. Collection method: clinical testing. Allele origin: germline.